The following is an entry in ClinVar:

ClinVar aggregate classification (germline): Likely benign (1 of 4 stars; one submission).

Allele frequency attached by ClinVar (database versions not stated): ExAC 0.00041; gnomAD 0.00057; ESP Exome Variant Server 0.00064; TOPMed 0.00071; 1000 Genomes Project 0.00120; 1000 Genomes Project 30x 0.00156.
gnomAD v4.1: 1,242 of 1,609,898 alleles (0.077%); highest among the groups gnomAD compares: Middle Eastern, 0.25%; 1 homozygote.

Submission:

CeGaT Center for Human Genetics Tuebingen
Classification: Likely benign. Last evaluated: 2022-05-01. Review status: criteria provided, single submitter. Criteria: CeGaT Center For Human Genetics Tuebingen Variant Classification Criteria Version 2. Collection method: clinical testing. Allele origin: germline. Affected: yes. Observed: 1 variant allele.
Comment: WDR90: BP4, BP7

NM_145294.5(WDR90):c.1089C>T (p.Gly363=)

Gene: WDR90 (WD repeat domain 90; plus strand). Cytogenetic location: 16p13.3.
Variant type: single nucleotide variant.
Coding change: c.1089C>T on transcript NM_145294.5 (MANE Select); coding-DNA position 1089, C replaced by T.
Protein change: p.Gly363=; no amino-acid change (glycine 363 retained).
Molecular consequence: synonymous variant.
Genome position (GRCh38, 1-based): chr16:652,502, C>T. VCF-style: chr16-652502-C-T. GRCh37 (hg19) VCF-style: chr16-702502-C-T.
Identifiers: ClinVar variation 2645837 (VCV002645837.24), dbSNP rs143373511, ClinGen allele CA7782717.
Genomic context (GRCh38, chr16:652,502, plus strand): 5'-ACTTTGATGCGAATGGCTGTTTCAGGGCTTCCTCCCAGACCCAGTCCTGAGGCTCAAGGG[C>T]GTCATCGGCTTTGGGGGCCACGGCACCAGACAGGTGAGGCTCCTGCGGCTGTGTCCAGAG-3'
Protein context (NP_660337.3, residues 353-373): FLPDPVLRLK[Gly363=]VIGFGGHGTR